The following is an entry in ClinVar:

NM_000540.3(RYR1):c.4673A>G (p.Gln1558Arg)

Gene: RYR1 (ryanodine receptor 1; plus strand). Cytogenetic location: 19q13.2.
Variant type: single nucleotide variant.
Coding change: c.4673A>G on transcript NM_000540.3 (MANE Select); coding-DNA position 4673, A replaced by G.
Protein change: p.Gln1558Arg; replaces glutamine 1558 with arginine.
Molecular consequence: missense variant.
Genome position (GRCh38, 1-based): chr19:38,483,079, A>G. VCF-style: chr19-38483079-A-G. GRCh37 (hg19) VCF-style: chr19-38973719-A-G.
Other names: c.4673A>G, p.Gln1558Arg (NM_001042723.2); short protein forms Q1558R.
Identifiers: ClinVar variation 4757310 (VCV004757310.1).

ClinVar aggregate classification (germline): Uncertain significance (1 of 4 stars; one submission).

Conditions:
Malignant hyperthermia, susceptibility to, 1 (MHS1). Also called: RYR1-Related Malignant Hyperthermia Susceptibility; Malignant hyperthermia suceptibility 1; Anesthesia related hyperthermia; Malignant hyperpyrexia; Fulminating hyperpyrexia; Pharmacogenic myopathy. Identifiers: Orphanet 423, MedGen C2930980, MONDO:0007783, OMIM 145600.

gnomAD v4.1: 2 of 1,614,108 alleles (0.00012%); highest among the groups gnomAD compares: Non-Finnish European, 0.00017%; no homozygotes.

Submission:

Color Diagnostics, LLC DBA Color Health
Classification: Uncertain significance for Malignant hyperthermia, susceptibility to, 1. Last evaluated: 2025-06-23. Review status: criteria provided, single submitter. Criteria: ACMG Guidelines, 2015. Collection method: clinical testing. Allele origin: germline.
Comment: This missense variant replaces glutamine with arginine at codon 1558 of the RYR1 protein. Computational prediction suggests that this variant may not impact protein structure and function. To our knowledge, functional studies have not been reported for this variant. This variant has not been reported in individuals affected with RYR1-related disorders in the literature. This variant has not been identified in the general population by the Genome Aggregation Database (gnomAD). The available evidence is insufficient to determine the role of this variant in disease conclusively. Therefore, this variant is classified as a Variant of Uncertain Significance.